The following is an entry in ClinVar:

NM_001211.6(BUB1B):c.2068G>T (p.Ala690Ser)

Gene: BUB1B (BUB1 mitotic checkpoint serine/threonine kinase B; plus strand). Cytogenetic location: 15q15.1.
Variant type: single nucleotide variant.
Coding change: c.2068G>T on transcript NM_001211.6 (MANE Select); coding-DNA position 2068, G replaced by T.
Protein change: p.Ala690Ser; replaces alanine 690 with serine.
Molecular consequence: missense variant.
Genome position (GRCh38, 1-based): chr15:40,208,695, G>T. VCF-style: chr15-40208695-G-T. GRCh37 (hg19) VCF-style: chr15-40500896-G-T.
Other names: short protein forms A690S.
Identifiers: ClinVar variation 4600468 (VCV004600468.1).

ClinVar aggregate classification (germline): Uncertain significance (1 of 4 stars; one submission).

Conditions:
Inborn genetic diseases. Identifiers: MedGen C0950123, MeSH D030342.

Submission:

Ambry Genetics
Classification: Uncertain significance for Inborn genetic diseases. Last evaluated: 2025-10-30. Review status: criteria provided, single submitter. Criteria: Ambry Variant Classification Scheme 2023. Collection method: clinical testing. Allele origin: germline.
Comment: The p.A690S variant (also known as c.2068G>T), located in coding exon 16 of the BUB1B gene, results from a G to T substitution at nucleotide position 2068. The alanine at codon 690 is replaced by serine, an amino acid with similar properties. This amino acid position is conserved. In addition, this alteration is predicted to be tolerated by in silico analysis. Based on the available evidence, the clinical significance of this variant remains unclear.